The following is an entry in ClinVar:

ClinVar aggregate classification (germline): Uncertain significance (1 of 4 stars; one submission).

Submission:

Dasa
Classification: Uncertain significance. Last evaluated: 2026-05-20. Review status: criteria provided, single submitter. Criteria: DASA Assertion Criteria. Collection method: clinical testing. Allele origin: germline.
Comment: NM_031407.7(HUWE1):c.3569A>T (p.Asp1190Val) is a missense variant that results in the substitution of aspartic acid with valine. This variant is absent from population databases. The currently available literature and clinical evidence are not sufficient to establish a definitive association between this variant and the reported condition. Therefore, this variant is classified as a variant of uncertain significance.

NM_031407.7(HUWE1):c.3569A>T (p.Asp1190Val)

Gene: HUWE1 (HECT, UBA and WWE domain containing E3 ubiquitin protein ligase 1; minus strand). Cytogenetic location: Xp11.22.
Variant type: single nucleotide variant.
Coding change: c.3569A>T on transcript NM_031407.7 (MANE Select); coding-DNA position 3569, A replaced by T.
Protein change: p.Asp1190Val; replaces aspartic acid 1190 with valine.
Molecular consequence: missense variant.
Genome position (GRCh38, 1-based): chrX:53,593,536, T>A on the plus strand (A>T on the coding strand, the complement: HUWE1 is on the minus strand). VCF-style: chrX-53593536-T-A. GRCh37 (hg19) VCF-style: chrX-53620496-T-A.
Other names: c.3569A>T, p.Asp1190Val (NM_001441048.1, NM_001441049.1, NM_001441051.1 and 6 more transcripts); c.3590A>T, p.Asp1197Val (NM_001441050.1, NM_001441055.1); short protein forms D1190V, D1197V.
Identifiers: ClinVar variation 5020528 (VCV005020528.1).